The following is an entry in ClinVar:

NM_005199.5(CHRNG):c.351-2A>G

Gene: CHRNG (cholinergic receptor nicotinic gamma subunit; plus strand). Cytogenetic location: 2q37.1.
Variant type: single nucleotide variant.
Coding change: c.351-2A>G on transcript NM_005199.5 (MANE Select); the canonical splice acceptor site of the intron before coding-DNA position 351, A replaced by G.
Molecular consequence: splice acceptor variant.
Genome position (GRCh38, 1-based): chr2:232,541,372, A>G. VCF-style: chr2-232541372-A-G. GRCh37 (hg19) VCF-style: chr2-233406082-A-G.
Identifiers: ClinVar variation 1804085 (VCV001804085.5), dbSNP rs751234287, ClinGen allele CA2168639.
Genomic context (GRCh38, chr2:232,541,372, plus strand): 5'-GGGGCTGGGGTGTCGGGGGCTGAGCCCACAGCCTCGTGGCCTGGCCTGTTCTGTGCATAC[A>G]GCGTGGACGGTGTCTTCGAGGTGGCCCTCTACTGCAATGTGCTCGTGTCCCCTGACGGCT-3'

ClinVar aggregate classification (germline): Likely pathogenic. Review status: criteria provided, multiple submitters, no conflicts (2 of 4 stars). 3 submissions from 3 submitters: Likely pathogenic (3). Last evaluated 2024-09-12.

Conditions:
Lethal multiple pterygium syndrome (LMPS). Identifiers: Orphanet 33108, MedGen C1854678, MONDO:0009668, OMIM 253290.
Autosomal recessive multiple pterygium syndrome. Also called: MULTIPLE PTERYGIUM SYNDROME, ESCOBAR VARIANT; PTERYGIUM COLLI SYNDROME; PTERYGIUM SYNDROME; PTERYGIUM UNIVERSALE. Identifiers: Orphanet 2990, MedGen C0265261, MONDO:0009926, OMIM 265000.

Allele frequency attached by ClinVar (database versions not stated): gnomAD 0.00001; gnomAD exomes 0.00001; TOPMed 0.00001; ExAC 0.00002.
gnomAD v4.1: 5 of 1,613,906 alleles (0.00031%); highest among the groups gnomAD compares: Non-Finnish European, 0.00042%; no homozygotes.

Submissions (3):

Women's Health and Genetics/Laboratory Corporation of America, LabCorp
Classification: Likely pathogenic for Lethal multiple pterygium syndrome. Last evaluated: 2024-09-12. Review status: criteria provided, single submitter. Criteria: LabCorp Variant Classification Summary - May 2015. Collection method: clinical testing. Allele origin: germline.
Comment: Variant summary: CHRNG c.351-2A>G is located in a canonical splice-site and is predicted to affect mRNA splicing resulting in a significantly altered protein due to either exon skipping, shortening, or inclusion of intronic material. Variants that disrupt the consensus splice site are a relatively common cause of aberrant splicing and loss of CHRNG function. Several computational tools predict a significant impact on normal splicing: Three predict the variant abolishes a 3' acceptor site. However, these predictions have yet to be confirmed by functional studies. The variant allele was found at a frequency of 1.2e-05 in 251446 control chromosomes (gnomAD). To our knowledge, no occurrence of c.351-2A>G in individuals affected with Lethal Multiple Pterygium Syndrome - CHRNG Related and no experimental evidence demonstrating its impact on protein function have been reported. ClinVar contains an entry for this variant (Variation ID: 1804085). Based on the evidence outlined above, the variant was classified as likely pathogenic.

Labcorp Genetics (formerly Invitae), Labcorp
Classification: Likely pathogenic. Last evaluated: 2023-11-24. Review status: criteria provided, single submitter. Criteria: Invitae Variant Classification Sherloc (09022015). Collection method: clinical testing. Allele origin: germline.
Comment: This sequence change affects an acceptor splice site in intron 4 of the CHRNG gene. It is expected to disrupt RNA splicing. Variants that disrupt the donor or acceptor splice site typically lead to a loss of protein function (PMID: 16199547), and loss-of-function variants in CHRNG are known to be pathogenic (PMID: 16826520). This variant is present in population databases (rs751234287, gnomAD 0.003%). This variant has not been reported in the literature in individuals affected with CHRNG-related conditions. ClinVar contains an entry for this variant (Variation ID: 1804085). Algorithms developed to predict the effect of sequence changes on RNA splicing suggest that this variant may disrupt the consensus splice site. In summary, the currently available evidence indicates that the variant is pathogenic, but additional data are needed to prove that conclusively. Therefore, this variant has been classified as Likely Pathogenic.

Institute of Human Genetics Munich, TUM University Hospital
Classification: Likely pathogenic for Autosomal recessive multiple pterygium syndrome. Last evaluated: 2021-09-16. Review status: criteria provided, single submitter. Criteria: Classification criteria August 2017. Collection method: clinical testing. Allele origin: paternal. Inheritance: Autosomal recessive inheritance. Affected: yes. Observed: 1 variant allele.

Literature cited by the submitters: PubMed 16199547 (cited by Labcorp Genetics (formerly Invitae), Labcorp); PubMed 16826520 (cited by Labcorp Genetics (formerly Invitae), Labcorp).